The following is an entry in ClinVar:

ClinVar aggregate classification (germline): Likely pathogenic (1 of 4 stars; one submission).

Conditions:
Dilated cardiomyopathy 1G (CMD1G). Identifiers: Orphanet 154, MedGen C1858763, MONDO:0011400, OMIM 604145.
Autosomal recessive limb-girdle muscular dystrophy type 2J (LGMDR10). Also called: MUSCULAR DYSTROPHY, LIMB-GIRDLE, AUTOSOMAL RECESSIVE 10; Limb-girdle muscular dystrophy, type 2J. Identifiers: Orphanet 140922, MedGen C1837342, MONDO:0012127, OMIM 608807.

Submission:

Labcorp Genetics (formerly Invitae), Labcorp
Classification: Likely pathogenic for Dilated cardiomyopathy 1G; Autosomal recessive limb-girdle muscular dystrophy type 2J. Last evaluated: 2024-10-18. Review status: criteria provided, single submitter. Criteria: Invitae Variant Classification Sherloc (09022015). Collection method: clinical testing. Allele origin: germline.
Comment: This sequence change affects a donor splice site in intron 62 of the TTN gene. It is expected to disrupt RNA splicing and likely results in a truncated or disrupted TTN protein. This variant is not present in population databases (gnomAD no frequency). This variant has not been reported in the literature in individuals affected with TTN-related conditions. ClinVar contains an entry for this variant (Variation ID: 1473348). Algorithms developed to predict the effect of sequence changes on RNA splicing suggest that this variant may disrupt the consensus splice site. This variant is located in the I band of TTN (PMID: 25589632). Truncating variants in this region have been reported in individuals affected with autosomal recessive centronuclear myopathy (PMID: 23975875, internal data). Truncating variants in this region have also been identified in individuals affected with autosomal dominant dilated cardiomyopathy and/or cardio-related conditions (PMID: 27869827, 32964742, internal data). In summary, the currently available evidence indicates that the variant is pathogenic, but additional data are needed to prove that conclusively. Therefore, this variant has been classified as Likely Pathogenic.

Literature cited by the submitters: PubMed 25589632; PubMed 23975875; PubMed 27869827; PubMed 32964742.

NM_001267550.2(TTN):c.18307+2T>C

Genes: TTN (titin; minus strand), LOC126806430 (BRD4-independent group 4 enhancer GRCh37_chr2:179593794-179594993; plus strand). Cytogenetic location: 2q31.2.
Variant type: single nucleotide variant.
Coding change: c.18307+2T>C on transcript NM_001267550.2 (MANE Select); the canonical splice donor site of the intron after coding-DNA position 18307, T replaced by C.
Molecular consequence: splice donor variant. On other transcripts: intron variant (3).
Genome position (GRCh38, 1-based): chr2:178,730,091, A>G on the plus strand (T>C on the coding strand, the complement: TTN is on the minus strand). VCF-style: chr2-178730091-A-G. GRCh37 (hg19) VCF-style: chr2-179594818-A-G.
Other names: c.13282+7991T>C (NM_003319.4); c.13858+7991T>C (NM_133437.4); c.13657+7991T>C (NM_133432.3); c.14575+2T>C (NM_133378.4); c.17356+2T>C (NM_001256850.1).
Identifiers: ClinVar variation 1473348 (VCV001473348.6), dbSNP rs2154307882, ClinGen allele CA349563592.